The following is an entry in ClinVar:

ClinVar aggregate classification (germline): Pathogenic. Review status: criteria provided, multiple submitters, no conflicts (2 of 4 stars). 4 submissions from 4 submitters: Pathogenic (4). Last evaluated 2025-07-21.

Conditions:
CCDC40-related disorder. Also called: CCDC40-related condition.
Primary ciliary dyskinesia. Also called: Ciliary dyskinesia. Identifiers: Orphanet 244, MedGen C0008780, MONDO:0016575, HP:0012265.

Allele frequency attached by ClinVar (database versions not stated): gnomAD 0.00001; TOPMed 0.00001; ExAC 0.00002; gnomAD exomes 0.00002.
gnomAD v4.1: 39 of 1,613,754 alleles (0.0024%); highest among the groups gnomAD compares: Non-Finnish European, 0.0029%; no homozygotes.

Submissions (4):

Labcorp Genetics (formerly Invitae), Labcorp
Classification: Pathogenic for Primary ciliary dyskinesia. Last evaluated: 2025-07-21. Review status: criteria provided, single submitter. Criteria: Invitae Variant Classification Sherloc (09022015). Collection method: clinical testing. Allele origin: germline.
Comment: This sequence change affects an acceptor splice site in intron 6 of the CCDC40 gene. It is expected to disrupt RNA splicing. Variants that disrupt the donor or acceptor splice site typically lead to a loss of protein function (PMID: 16199547), and loss-of-function variants in CCDC40 are known to be pathogenic (PMID: 21131974, 22693285, 23255504). This variant is present in population databases (rs750708201, gnomAD 0.004%). Disruption of this splice site has been observed in individual(s) with primary ciliary dyskinesia (PMID: 23255504; internal datadatabase). In at least one individual the data is consistent with being in trans (on the opposite chromosome) from a pathogenic variant. ClinVar contains an entry for this variant (Variation ID: 228326). Algorithms developed to predict the effect of sequence changes on RNA splicing suggest that this variant may disrupt the consensus splice site. For these reasons, this variant has been classified as Pathogenic.

Blueprint Genetics
Classification: Pathogenic for CCDC40-related disorders. Last evaluated: 2022-11-15. Review status: criteria provided, single submitter. Criteria: ACMG Guidelines, 2015. Collection method: clinical testing. Allele origin: germline. Affected: yes. Observed: 1 variant allele.

UNC Molecular Genetics  Laboratory, University of North Carolina at Chapel Hill
Classification: Pathogenic for Primary ciliary dyskinesia. Last evaluated: 2019-01-15. Review status: criteria provided, single submitter. Criteria: ACMG Guidelines, 2015. Collection method: clinical testing. Allele origin: germline. Affected: yes. Observed: 1 compound heterozygote.

Laboratory for Molecular Medicine, Mass General Brigham Personalized Medicine
Classification: Pathogenic for Primary ciliary dyskinesia. Last evaluated: 2015-02-10. Review status: criteria provided, single submitter. Criteria: LMM Criteria. Collection method: clinical testing. Allele origin: germline. Inheritance: Autosomal recessive inheritance. Observed: 3 variant alleles.
Comment: The c.940-2A>G variant in CCDC40 has been previously reported in 2 compound hete rozygous individuals with primary ciliary dyskinesia (PCD) who carried pathogeni c CCDC40 variants in trans (Becker-Heck 2011, Antony2013). This variant has been identified in 2/66492 Non-Finnish European chromosomes by the Exome Aggregation Consortium (ExAC). Although this variant has be en seen in the general population, its frequency is low enough to be consistent with a recessive carrier frequency. This variant occurs in the invariant region (+/- 1,2) of the splice consensus sequence and is predicted to cause altered spl icing leading to an abnormal or absent protein. Functional studies indicate that loss of CCDC40 function results in abnormal cilia structure and motility (Becke r-Heck 2011). In summary, this variant meets our criteria to be classified as pa thogenic for PCD in an autosomal recessive manner (nalizedmedicine/LMM) based upon the predicted impact to protein and multiple co- occurrences with other pathogenic variants.

Literature cited by the submitters: PubMed 16199547 (cited by Labcorp Genetics (formerly Invitae), Labcorp); PubMed 21131974 (cited by 3 submitters); PubMed 22693285 (cited by Labcorp Genetics (formerly Invitae), Labcorp); PubMed 23255504 (cited by 3 submitters).

NM_017950.4(CCDC40):c.940-2A>G

Gene: CCDC40 (coiled-coil domain 40 molecular ruler complex subunit; plus strand). Cytogenetic location: 17q25.3.
Variant type: single nucleotide variant.
Coding change: c.940-2A>G on transcript NM_017950.4 (MANE Select); the canonical splice acceptor site of the intron before coding-DNA position 940, A replaced by G.
Molecular consequence: splice acceptor variant.
Genome position (GRCh38, 1-based): chr17:80,050,062, A>G. VCF-style: chr17-80050062-A-G. GRCh37 (hg19) VCF-style: chr17-78023861-A-G.
Other names: c.940-2A>G (NM_001243342.2, NM_001330508.2).
Identifiers: ClinVar variation 228326 (VCV000228326.16), dbSNP rs750708201, ClinGen allele CA8813631.